The following is an entry in ClinVar:

NM_198428.3(BBS9):c.377T>C (p.Met126Thr)

Gene: BBS9 (Bardet-Biedl syndrome 9; plus strand). Cytogenetic location: 7p14.3.
Variant type: single nucleotide variant.
Coding change: c.377T>C on transcript NM_198428.3 (MANE Select); coding-DNA position 377, T replaced by C.
Protein change: p.Met126Thr; replaces methionine 126 with threonine.
Molecular consequence: missense variant. On other transcripts: non-coding transcript variant (3).
Genome position (GRCh38, 1-based): chr7:33,177,526, T>C. VCF-style: chr7-33177526-T-C. GRCh37 (hg19) VCF-style: chr7-33217138-T-C.
Other names: c.377T>C, p.Met126Thr (NM_001033604.2, NM_001033605.2, NM_001348036.1 and 5 more transcripts); c.11T>C, p.Met4Thr (NM_001348037.3, NM_001348044.3, NM_001348045.3 and 1 more transcripts); c.104T>C, p.Met35Thr (NM_001348038.3, NM_001348039.3); c.242T>C, p.Met81Thr (NM_001348042.3); short protein forms M4T, M126T, M35T, M81T.
Identifiers: ClinVar variation 1367233 (VCV001367233.6), dbSNP rs2128162902, ClinGen allele CA367251878.

ClinVar aggregate classification (germline): Uncertain significance (1 of 4 stars; one submission).

Conditions:
Bardet-Biedl syndrome (BBS). Identifiers: Orphanet 110, MedGen C0752166, MONDO:0015229.

Submission:

Labcorp Genetics (formerly Invitae), Labcorp
Classification: Uncertain significance for Bardet-Biedl syndrome. Last evaluated: 2021-10-19. Review status: criteria provided, single submitter. Criteria: Invitae Variant Classification Sherloc (09022015). Collection method: clinical testing. Allele origin: germline.
Comment: This variant is not present in population databases (ExAC no frequency). This variant has not been reported in the literature in individuals affected with BBS9-related conditions. Algorithms developed to predict the effect of missense changes on protein structure and function are either unavailable or do not agree on the potential impact of this missense change (SIFT: "Deleterious"; PolyPhen-2: "Benign"; Align-GVGD: "Class C65"). In summary, the available evidence is currently insufficient to determine the role of this variant in disease. Therefore, it has been classified as a Variant of Uncertain Significance. This sequence change replaces methionine with threonine at codon 126 of the BBS9 protein (p.Met126Thr). The methionine residue is highly conserved and there is a moderate physicochemical difference between methionine and threonine.